The following is an entry in ClinVar:

ClinVar aggregate classification (germline): Uncertain significance (1 of 4 stars; one submission).

Conditions:
Hereditary cancer-predisposing syndrome. Also called: Hereditary Cancer Syndrome; Hereditary neoplastic syndrome; Neoplastic Syndromes, Hereditary; Tumor predisposition. Identifiers: Orphanet 140162, MedGen C0027672, MeSH D009386, MONDO:0015356.

gnomAD v4.1: 1 of 1,593,000 alleles (0.000063%); no homozygotes.

Submission:

Ambry Genetics
Classification: Uncertain significance for Hereditary cancer-predisposing syndrome. Last evaluated: 2025-07-26. Review status: criteria provided, single submitter. Criteria: Ambry Variant Classification Scheme 2023. Collection method: clinical testing. Allele origin: germline.
Comment: The p.A1439V variant (also known as c.4316C>T), located in coding exon 29 of the ALK gene, results from a C to T substitution at nucleotide position 4316. The alanine at codon 1439 is replaced by valine, an amino acid with similar properties. This amino acid position is not well conserved in available vertebrate species. In addition, this alteration is predicted to be tolerated by in silico analysis. Based on the available evidence, the clinical significance of this variant remains unclear.

NM_004304.5(ALK):c.4316C>T (p.Ala1439Val)

Gene: ALK (ALK receptor tyrosine kinase; minus strand). Cytogenetic location: 2p23.2.
Variant type: single nucleotide variant.
Coding change: c.4316C>T on transcript NM_004304.5 (MANE Select); coding-DNA position 4316, C replaced by T.
Protein change: p.Ala1439Val; replaces alanine 1439 with valine.
Molecular consequence: missense variant.
Genome position (GRCh38, 1-based): chr2:29,193,771, G>A on the plus strand (C>T on the coding strand, the complement: ALK is on the minus strand). VCF-style: chr2-29193771-G-A. GRCh37 (hg19) VCF-style: chr2-29416637-G-A.
Other names: c.1112C>T, p.Ala371Val (NM_001353765.2); short protein forms A371V, A1439V.
Identifiers: ClinVar variation 4271047 (VCV004271047.1).